The following is an entry in ClinVar:

ClinVar aggregate classification (germline): Uncertain significance (1 of 4 stars; one submission).

Allele frequency attached by ClinVar (database versions not stated): gnomAD exomes below 0.00001.
gnomAD v4.1: 6 of 1,613,804 alleles (0.00037%); highest among the groups gnomAD compares: South Asian, 0.0055%; no homozygotes.

Submission:

CeGaT Center for Human Genetics Tuebingen
Classification: Uncertain significance. Last evaluated: 2023-12-01. Review status: criteria provided, single submitter. Criteria: CeGaT Center For Human Genetics Tuebingen Variant Classification Criteria Version 2. Collection method: clinical testing. Allele origin: germline. Affected: yes. Observed: 1 variant allele.
Comment: ZNF292: PM2, BP1, BP4

NM_015021.3(ZNF292):c.3418C>G (p.Gln1140Glu)

Gene: ZNF292 (zinc finger protein 292; plus strand). Cytogenetic location: 6q14.3.
Variant type: single nucleotide variant.
Coding change: c.3418C>G on transcript NM_015021.3 (MANE Select); coding-DNA position 3418, C replaced by G.
Protein change: p.Gln1140Glu; replaces glutamine 1140 with glutamic acid.
Molecular consequence: missense variant.
Genome position (GRCh38, 1-based): chr6:87,257,047, C>G. VCF-style: chr6-87257047-C-G. GRCh37 (hg19) VCF-style: chr6-87966765-C-G.
Other names: c.2998C>G, p.Gln1000Glu (NM_001351444.2); short protein forms Q1000E, Q1140E.
Identifiers: ClinVar variation 3025683 (VCV003025683.22), dbSNP rs2482313479, ClinGen allele CA364921963.
Genomic context (GRCh38, chr6:87,257,047, plus strand): 5'-AAGACAGCACACCCTGACCAATATGCTGCATTTAAAATGCAGCGCAAAAGTAAAAAAGGT[C>G]AGAAAGCTAACAACTTAAATACACCAAATAATGGAAAGTTTGTTTATTTTTTGCCATCAC-3'
Protein context (NP_055836.1, residues 1130-1150): FKMQRKSKKG[Gln1140Glu]KANNLNTPNN